The following is an entry in ClinVar:

ClinVar aggregate classification (germline): Uncertain significance (1 of 4 stars; one submission).

gnomAD v4.1: 3 of 1,614,054 alleles (0.00019%); highest among the groups gnomAD compares: Admixed American, 0.0017%; no homozygotes.

Submission:

Dasa
Classification: Uncertain significance. Last evaluated: 2024-10-11. Review status: criteria provided, single submitter. Criteria: DASA Assertion Criteria. Collection method: clinical testing. Allele origin: germline.
Comment: NM_002473.6(MYH9):c.104C>T (p.Pro35Leu) is a missense variant that results in the substitution of proline with leucine. This variant is rare in population databases. Computational prediction algorithms are consistent with a deleterious effect. The currently available literature and clinical evidence are not sufficient to establish a definitive association between this variant and the reported condition. Therefore, this variant is classified as a variant of uncertain significance.

NM_002473.6(MYH9):c.104C>T (p.Pro35Leu)

Gene: MYH9 (myosin heavy chain 9; minus strand). Cytogenetic location: 22q12.3.
Variant type: single nucleotide variant.
Coding change: c.104C>T on transcript NM_002473.6 (MANE Select); coding-DNA position 104, C replaced by T.
Protein change: p.Pro35Leu; replaces proline 35 with leucine.
Molecular consequence: missense variant.
Genome position (GRCh38, 1-based): chr22:36,349,133, G>A on the plus strand (C>T on the coding strand, the complement: MYH9 is on the minus strand). VCF-style: chr22-36349133-G-A. GRCh37 (hg19) VCF-style: chr22-36745178-G-A.
Other names: short protein forms P35L.
Identifiers: ClinVar variation 4886236 (VCV004886236.2).